The following is an entry in ClinVar:

NM_152384.3(BBS5):c.106T>A (p.Ser36Thr)

Gene: BBS5 (Bardet-Biedl syndrome 5; plus strand). Cytogenetic location: 2q31.1.
Variant type: single nucleotide variant.
Coding change: c.106T>A on transcript NM_152384.3 (MANE Select); coding-DNA position 106, T replaced by A.
Protein change: p.Ser36Thr; replaces serine 36 with threonine.
Molecular consequence: missense variant.
Genome position (GRCh38, 1-based): chr2:169,482,297, T>A. VCF-style: chr2-169482297-T-A. GRCh37 (hg19) VCF-style: chr2-170338807-T-A.
Other names: short protein forms S36T.
Identifiers: ClinVar variation 1023244 (VCV001023244.8), dbSNP rs1683411036, ClinGen allele CA349159926.

ClinVar aggregate classification (germline): Uncertain significance (1 of 4 stars; one submission).

Conditions:
Bardet-Biedl syndrome (BBS). Identifiers: Orphanet 110, MedGen C0752166, MONDO:0015229.

Submission:

Labcorp Genetics (formerly Invitae), Labcorp
Classification: Uncertain significance for Bardet-Biedl syndrome. Last evaluated: 2021-07-14. Review status: criteria provided, single submitter. Criteria: Invitae Variant Classification Sherloc (09022015). Collection method: clinical testing. Allele origin: germline.
Comment: This sequence change replaces serine with threonine at codon 36 of the BBS5 protein (p.Ser36Thr). The serine residue is highly conserved and there is a small physicochemical difference between serine and threonine. This variant is not present in population databases (ExAC no frequency). This variant has not been reported in the literature in individuals with BBS5-related conditions. Algorithms developed to predict the effect of missense changes on protein structure and function are either unavailable or do not agree on the potential impact of this missense change (SIFT: "Tolerated"; PolyPhen-2: "Probably Damaging"; Align-GVGD: "Class C0"). In summary, the available evidence is currently insufficient to determine the role of this variant in disease. Therefore, it has been classified as a Variant of Uncertain Significance.